The following is an entry in ClinVar:

ClinVar aggregate classification (germline): Uncertain significance. Review status: criteria provided, multiple submitters, no conflicts (2 of 4 stars). 2 submissions from 2 submitters: Uncertain significance (2). Last evaluated 2025-11-24.

Conditions:
Hawkinsinuria. Identifiers: Orphanet 2118, MedGen C2931042, MONDO:0007700, OMIM 140350, HP:0034457.
Tyrosinemia type III. Also called: Tyrosinemia type 3; 4-alpha hydroxyphenylpyruvic acid oxidase deficiency; 4-alpha hydroxyphenylpyruvate dioxygenase deficiency; 4-Hydroxyphenylpyruvate dioxygenase deficiency; 4-HYDROXYPHENYLPYRUVIC ACID OXIDASE DEFICIENCY. Identifiers: Orphanet 69723, MedGen C0268623, MONDO:0010162, OMIM 276710.
Inborn genetic diseases. Identifiers: MedGen C0950123, MeSH D030342.

Allele frequency attached by ClinVar (database versions not stated): ESP Exome Variant Server 0.00008; 1000 Genomes Project 30x 0.00016; 1000 Genomes Project 0.00020.
gnomAD v4.1: 9 of 1,614,042 alleles (0.00056%); highest among the groups gnomAD compares: Admixed American, 0.0033%; no homozygotes.

Submissions (2):

Ambry Genetics
Classification: Uncertain significance for Inborn genetic diseases. Last evaluated: 2025-11-24. Review status: criteria provided, single submitter. Criteria: Ambry Variant Classification Scheme 2023. Collection method: clinical testing. Allele origin: germline.

Labcorp Genetics (formerly Invitae), Labcorp
Classification: Uncertain significance for Tyrosinemia type III; Hawkinsinuria. Last evaluated: 2022-07-25. Review status: criteria provided, single submitter. Criteria: Invitae Variant Classification Sherloc (09022015). Collection method: clinical testing. Allele origin: germline.
Comment: This sequence change replaces arginine, which is basic and polar, with glycine, which is neutral and non-polar, at codon 279 of the HPD protein (p.Arg279Gly). This variant is present in population databases (rs148442477, gnomAD 0.01%). This variant has not been reported in the literature in individuals affected with HPD-related conditions. Algorithms developed to predict the effect of missense changes on protein structure and function (SIFT, PolyPhen-2, Align-GVGD) all suggest that this variant is likely to be tolerated. In summary, the available evidence is currently insufficient to determine the role of this variant in disease. Therefore, it has been classified as a Variant of Uncertain Significance.

NM_002150.3(HPD):c.835C>G (p.Arg279Gly)

Genes: HPD (4-hydroxyphenylpyruvate dioxygenase; minus strand), TIALD (transcript inducer of AURKA lysosomal degradation; plus strand). Cytogenetic location: 12q24.31.
Variant type: single nucleotide variant.
Coding change: c.835C>G on transcript NM_002150.3 (MANE Select); coding-DNA position 835, C replaced by G.
Protein change: p.Arg279Gly; replaces arginine 279 with glycine.
Molecular consequence: missense variant.
Genome position (GRCh38, 1-based): chr12:121,843,829, G>C on the plus strand (C>G on the coding strand, the complement: HPD is on the minus strand). VCF-style: chr12-121843829-G-C. GRCh37 (hg19) VCF-style: chr12-122281735-G-C.
Other names: c.718C>G, p.Arg240Gly (NM_001171993.2); c.835C>G (NM_002150.2); short protein forms R279G, R240G.
Identifiers: ClinVar variation 2071755 (VCV002071755.2), dbSNP rs148442477, ClinGen allele CA6839505.
Genomic context (GRCh38, chr12:121,843,829, plus strand): 5'-GTTGTTTGTAGTACGTGGAGGGAACAGATAAGAACTCCAGGCCTCTCTCTCTCAAGTGGC[G>C]AATCTGTTTCAGAGCAAAGCTGAGGTCAGCCTTCGGCCTCCAAGTTCAACTCCCCTAGCC-3'
Protein context (NP_002141.2, residues 269-289): LKTEDIITAI[Arg279Gly]HLRERGLEFL